The following is an entry in ClinVar:

ClinVar aggregate classification (germline): Uncertain significance. Review status: criteria provided, multiple submitters, no conflicts (2 of 4 stars). 4 submissions from 4 submitters: Uncertain significance (4). Last evaluated 2024-09-06.

Conditions:
Hereditary cancer-predisposing syndrome. Also called: Tumor predisposition; Hereditary neoplastic syndrome; Neoplastic Syndromes, Hereditary; Hereditary Cancer Syndrome. Identifiers: Orphanet 140162, MedGen C0027672, MeSH D009386, MONDO:0015356.
Familial adenomatous polyposis 1 (FAP1). Also called: POLYPOSIS, ADENOMATOUS INTESTINAL; FAMILIAL ADENOMATOUS POLYPOSIS 1, ATTENUATED. Identifiers: MedGen C2713442, MONDO:0021056, OMIM 175100. Disease mechanism: loss of function.
Colorectal cancer, susceptibility to. Identifiers: MedGen C1858438.

Submissions (4):

Ambry Genetics
Classification: Uncertain significance for Hereditary cancer-predisposing syndrome. Last evaluated: 2024-09-06. Review status: criteria provided, single submitter. Criteria: Ambry Variant Classification Scheme 2023. Collection method: clinical testing. Allele origin: germline.
Comment: The p.Y1027C variant (also known as c.3080A>G), located in coding exon 15 of the APC gene, results from an A to G substitution at nucleotide position 3080. The tyrosine at codon 1027 is replaced by cysteine, an amino acid with highly dissimilar properties. This amino acid position is highly conserved in available vertebrate species. In addition, in silico predictors for this gene do not accurately predict pathogenicity. Based on the available evidence, the clinical significance of this variant remains unclear.

Labcorp Genetics (formerly Invitae), Labcorp
Classification: Uncertain significance for Familial adenomatous polyposis 1. Last evaluated: 2024-06-30. Review status: criteria provided, single submitter. Criteria: Invitae Variant Classification Sherloc (09022015). Collection method: clinical testing. Allele origin: germline.
Comment: This sequence change replaces tyrosine, which is neutral and polar, with cysteine, which is neutral and slightly polar, at codon 1027 of the APC protein (p.Tyr1027Cys). This variant is not present in population databases (gnomAD no frequency). This missense change has been observed in individual(s) with a personal history of colon polyps and a family history of colon and breast cancer (PMID: 26845104). ClinVar contains an entry for this variant (Variation ID: 224553). Advanced modeling of protein sequence and biophysical properties (such as structural, functional, and spatial information, amino acid conservation, physicochemical variation, residue mobility, and thermodynamic stability) performed at Invitae indicates that this missense variant is not expected to disrupt APC protein function with a negative predictive value of 95%. In summary, the available evidence is currently insufficient to determine the role of this variant in disease. Therefore, it has been classified as a Variant of Uncertain Significance.

Color Diagnostics, LLC DBA Color Health
Classification: Uncertain significance for Hereditary cancer-predisposing syndrome. Last evaluated: 2022-05-11. Review status: criteria provided, single submitter. Criteria: ACMG Guidelines, 2015. Collection method: clinical testing. Allele origin: germline.
Comment: This missense variant replaces tyrosine with cysteine at codon 1027 of the APC protein. Computational prediction suggests that this variant may have deleterious impact on protein structure and function (internally defined REVEL score threshold >= 0.7, PMID: 27666373). To our knowledge, functional studies have not been reported for this variant. This variant has not been reported in individuals affected with hereditary cancer in the literature. This variant has not been identified in the general population by the Genome Aggregation Database (gnomAD). The available evidence is insufficient to determine the role of this variant in disease conclusively. Therefore, this variant is classified as a Variant of Uncertain Significance.

University of Washington Department of Laboratory Medicine, University of Washington
Classification: Uncertain significance for Colorectal cancer, susceptibility to. Last evaluated: 2015-11-20. Review status: criteria provided, single submitter. Criteria: Shirts et al. (Genet Med 2016). Collection method: clinical testing. Allele origin: germline. Affected: no. Observed: 1 variant allele.

Literature cited by the submitters: PubMed 26845104 (cited by Labcorp Genetics (formerly Invitae), Labcorp).

NM_000038.6(APC):c.3080A>G (p.Tyr1027Cys)

Gene: APC (APC regulator of Wnt signaling pathway; plus strand). Cytogenetic location: 5q22.2.
Variant type: single nucleotide variant.
Coding change: c.3080A>G on transcript NM_000038.6 (MANE Select); coding-DNA position 3080, A replaced by G.
Protein change: p.Tyr1027Cys; replaces tyrosine 1027 with cysteine.
Molecular consequence: missense variant.
Genome position (GRCh38, 1-based): chr5:112,838,674, A>G. VCF-style: chr5-112838674-A-G. GRCh37 (hg19) VCF-style: chr5-112174371-A-G.
Other names: c.2600A>G, p.Tyr867Cys (NM_001354905.2); c.2231A>G, p.Tyr744Cys (NM_001354906.2); c.3080A>G, p.Tyr1027Cys (NM_001127510.3, NM_001354895.2); c.3026A>G, p.Tyr1009Cys (NM_001127511.3); c.3134A>G, p.Tyr1045Cys (NM_001354896.2); c.3110A>G, p.Tyr1037Cys (NM_001354897.2); c.3005A>G, p.Tyr1002Cys (NM_001354898.2); c.2996A>G, p.Tyr999Cys (NM_001354899.2); and 5 more; short protein forms Y1009C, Y1027C, Y901C, Y936C, Y999C, Y926C, Y986C, Y1045C.
Identifiers: ClinVar variation 224553 (VCV000224553.23), dbSNP rs869312784, ClinGen allele CA353549.
Genomic context (GRCh38, chr5:112,838,674, plus strand): 5'-AAATACATAGTGCAAATCATATGGATGATAATGATGGAGAACTAGATACACCAATAAATT[A>G]TAGTCTTAAATATTCAGATGAGCAGTTGAACTCTGGAAGGCAAAGTCCTTCACAGAATGA-3'
Protein context (NP_000029.2, residues 1017-1037): NDGELDTPIN[Tyr1027Cys]SLKYSDEQLN